The following is an entry in ClinVar:

NM_001376.5(DYNC1H1):c.5417G>A (p.Arg1806Gln)

Gene: DYNC1H1 (dynein cytoplasmic 1 heavy chain 1; plus strand). Cytogenetic location: 14q32.31.
Variant type: single nucleotide variant.
Coding change: c.5417G>A on transcript NM_001376.5 (MANE Select); coding-DNA position 5417, G replaced by A.
Protein change: p.Arg1806Gln; replaces arginine 1806 with glutamine.
Molecular consequence: missense variant.
Genome position (GRCh38, 1-based): chr14:102,005,220, G>A. VCF-style: chr14-102005220-G-A. GRCh37 (hg19) VCF-style: chr14-102471557-G-A.
Other names: short protein forms R1806Q.
Identifiers: ClinVar variation 1499175 (VCV001499175.8), dbSNP rs2048183544, ClinGen allele CA391046979.
Genomic context (GRCh38, chr14:102,005,220, plus strand): 5'-AGGTCACCCTCAATGTGTTAGCAGACTCTGTCCTCATGGAGCAGCCCCCACTCCGAAGGC[G>A]GAAGCTAGAACACTTGGTTAGTCTCACACCTGACTCCTTCCTTACCAGTTAGACTCTTAC-3'
Protein context (NP_001367.2, residues 1796-1816): VLMEQPPLRR[Arg1806Gln]KLEHLITELV

ClinVar aggregate classification (germline): Uncertain significance (1 of 4 stars; one submission).

Conditions:
Charcot-Marie-Tooth disease axonal type 2O. Also called: CHARCOT-MARIE-TOOTH NEUROPATHY, AXONAL, TYPE 2O; CHARCOT-MARIE-TOOTH DISEASE, AXONAL, AUTOSOMAL DOMINANT, TYPE 2O; Charcot-Marie-Tooth Neuropathy Type 2O; Charcot-Marie-Tooth disease, axonal, type 20. Identifiers: Orphanet 284232, MedGen C3280220, MONDO:0013644, OMIM 614228.

Allele frequency attached by ClinVar (database versions not stated): gnomAD exomes below 0.00001.
gnomAD v4.1: 4 of 1,614,214 alleles (0.00025%); highest among the groups gnomAD compares: African/African-American, 0.0027%; no homozygotes.

Submission:

Labcorp Genetics (formerly Invitae), Labcorp
Classification: Uncertain significance for Charcot-Marie-Tooth disease axonal type 2O. Last evaluated: 2026-01-25. Review status: criteria provided, single submitter. Criteria: Invitae Variant Classification Sherloc (09022015). Collection method: clinical testing. Allele origin: germline.
Comment: This sequence change replaces arginine, which is basic and polar, with glutamine, which is neutral and polar, at codon 1806 of the DYNC1H1 protein (p.Arg1806Gln). This variant is not present in population databases (gnomAD no frequency). This variant has not been reported in the literature in individuals affected with DYNC1H1-related conditions. ClinVar contains an entry for this variant (Variation ID: 1499175). Invitae Evidence Modeling of protein sequence and biophysical properties (such as structural, functional, and spatial information, amino acid conservation, physicochemical variation, residue mobility, and thermodynamic stability) indicates that this missense variant is not expected to disrupt DYNC1H1 protein function with a negative predictive value of 95%. In summary, the available evidence is currently insufficient to determine the role of this variant in disease. Therefore, it has been classified as a Variant of Uncertain Significance.